The following is an entry in ClinVar:

NM_001009944.3(PKD1):c.9678C>T (p.Asn3226=)

Gene: PKD1 (polycystin 1, transient receptor potential channel interacting; minus strand). Cytogenetic location: 16p13.3.
Variant type: single nucleotide variant.
Coding change: c.9678C>T on transcript NM_001009944.3 (MANE Select); coding-DNA position 9678, C replaced by T.
Protein change: p.Asn3226=; no amino-acid change (asparagine 3226 retained).
Molecular consequence: synonymous variant.
Genome position (GRCh38, 1-based): chr16:2,100,200, G>A on the plus strand (C>T on the coding strand, the complement: PKD1 is on the minus strand). VCF-style: chr16-2100200-G-A. GRCh37 (hg19) VCF-style: chr16-2150201-G-A.
Other names: c.9678C>T (NM_001009944.2); c.9678C>T, p.Asn3226= (NM_000296.4).
Identifiers: ClinVar variation 811829 (VCV000811829.12), dbSNP rs138332867, ClinGen allele CA7829977.
Genomic context (GRCh38, chr16:2,100,200, plus strand): 5'-AGTGGGAACATGGAACGAGGCCTTACTCGCGGCCAGCACCTCCTTCTCCACCAGGCCCCC[G>A]TTGGCCTCCGTCTCCACCGAAAGCCAGTCATTGACCAGGAAGAAGGCGCTGCGTGCCGTC-3'
Protein context (NP_001009944.3, residues 3216-3236): NDWLSVETEA[Asn3226=]GGLVEKEVLA

ClinVar aggregate classification (germline): Benign/Likely benign. Review status: criteria provided, multiple submitters, no conflicts (2 of 4 stars). 3 submissions from 3 submitters: Benign (1); Likely benign (1). 1 of the submissions does not count toward it. Last evaluated 2025-04-25.

Conditions:
PKD1-related disorder. Also called: PKD1-related condition.
Polycystic kidney disease, adult type (PKD1). Also called: POLYCYSTIC KIDNEY DISEASE 1 WITH OR WITHOUT POLYCYSTIC LIVER DISEASE; POLYCYSTIC KIDNEY DISEASE, ADULT, TYPE I; Polycystic Kidney, Autosomal Dominant; Polycystic Kidney Disease 1, Autosomal Dominant; Polycystic kidney disease 1; Polycystic kidney disease 1, severe. Identifiers: MedGen C3149841, MONDO:0008263, OMIM 173900.

Allele frequency attached by ClinVar (database versions not stated): ExAC 0.00013; gnomAD 0.00033 and 0.00036; TOPMed 0.00037; 1000 Genomes Project 30x 0.00047; ESP Exome Variant Server 0.00048; 1000 Genomes Project 0.00060.
gnomAD v4.1: 110 of 1,609,516 alleles (0.0068%); highest among the groups gnomAD compares: African/African-American, 0.091%; no homozygotes.

Submissions (3):

Women's Health and Genetics/Laboratory Corporation of America, LabCorp
Classification: Likely benign. Last evaluated: 2025-04-25. Review status: criteria provided, single submitter. Criteria: LabCorp Variant Classification Summary - May 2015. Collection method: clinical testing. Allele origin: germline.

ARUP Laboratories, Molecular Genetics and Genomics, ARUP Laboratories
Classification: Benign for Polycystic kidney disease, adult type. Last evaluated: 2018-11-17. Review status: criteria provided, single submitter. Criteria: ARUP Molecular Germline Variant Investigation Process. Collection method: clinical testing. Allele origin: germline.

PreventionGenetics, part of Exact Sciences
Classification: Likely benign for PKD1-related condition. Last evaluated: 2019-04-12. Review status: no assertion criteria provided. Collection method: clinical testing. Allele origin: germline. Not counted in ClinVar's aggregate classification.
Comment: This variant is classified as likely benign based on ACMG/AMP sequence variant interpretation guidelines (Richards et al. 2015 PMID: 25741868, with internal and published modifications).